The following is an entry in ClinVar:

ClinVar aggregate classification (germline): Uncertain significance (1 of 4 stars; one submission).

gnomAD v4.1: 1 of 1,606,776 alleles (0.000062%); highest among the groups gnomAD compares: Non-Finnish European, 0.000085%; no homozygotes.

Submission:

Women's Health and Genetics/Laboratory Corporation of America, LabCorp
Classification: Uncertain significance. Last evaluated: 2025-06-23. Review status: criteria provided, single submitter. Criteria: LabCorp Variant Classification Summary - May 2015. Collection method: clinical testing. Allele origin: germline.
Comment: Variant summary: NBAS c.2097G>C (p.Glu699Asp) results in a conservative amino acid change in the encoded protein sequence. Algorithms developed to predict the effect of missense changes on protein structure and function are either unavailable or do not agree on the potential impact of this missense change. Several computational tools predict a significant impact on normal splicing: Two predict the variant abolishes a 5' splicing donor site. One predict the variant weakens a 5' donor site. However, these predictions have yet to be confirmed by functional studies. The variant was absent in 250760 control chromosomes (gnomAD). The available data on variant occurrences in the general population are insufficient to allow any conclusion about variant significance. To our knowledge, no occurrence of c.2097G>C in individuals affected with Liver Failure Acute Infantile, Type 2 and no experimental evidence demonstrating its impact on protein function have been reported. No submitters have cited clinical-significance assessments for this variant to ClinVar. Based on the evidence outlined above, the variant was classified as uncertain significance.

NM_015909.4(NBAS):c.2097G>C (p.Glu699Asp)

Gene: NBAS (NBAS subunit of NRZ tethering complex; minus strand). Cytogenetic location: 2p24.3.
Variant type: single nucleotide variant.
Coding change: c.2097G>C on transcript NM_015909.4 (MANE Select); coding-DNA position 2097, G replaced by C.
Protein change: p.Glu699Asp; replaces glutamic acid 699 with aspartic acid.
Molecular consequence: missense variant. On other transcripts: non-coding transcript variant (1).
Genome position (GRCh38, 1-based): chr2:15,467,329, C>G on the plus strand (G>C on the coding strand, the complement: NBAS is on the minus strand). VCF-style: chr2-15467329-C-G. GRCh37 (hg19) VCF-style: chr2-15607453-C-G.
Other names: short protein forms E699D.
Identifiers: ClinVar variation 3907575 (VCV003907575.1).